The following is an entry in ClinVar:

NM_001293626.2(MGAM2):c.5067A>G (p.Gly1689=)

Gene: MGAM2 (maltase-glucoamylase 2 (putative); plus strand). Cytogenetic location: 7q34.
Variant type: single nucleotide variant.
Coding change: c.5067A>G on transcript NM_001293626.2 (MANE Select); coding-DNA position 5067, A replaced by G.
Protein change: p.Gly1689=; no amino-acid change (glycine 1689 retained).
Molecular consequence: synonymous variant.
Genome position (GRCh38, 1-based): chr7:142,199,898, A>G. VCF-style: chr7-142199898-A-G. GRCh37 (hg19) VCF-style: chr7-141899698-A-G.
Identifiers: ClinVar variation 2658105 (VCV002658105.24), dbSNP rs201561024, ClinGen allele CA168464528.

ClinVar aggregate classification (germline): Likely benign (1 of 4 stars; one submission).

Allele frequency attached by ClinVar (database versions not stated): 1000 Genomes Project 30x 0.00047; TOPMed 0.00095; 1000 Genomes Project 0.00100; ExAC 0.00336.
gnomAD v4.1: 946 of 671,922 alleles (0.14%); highest among the groups gnomAD compares: Middle Eastern, 2.8%; 7 homozygotes.

Submission:

CeGaT Center for Human Genetics Tuebingen
Classification: Likely benign. Last evaluated: 2022-03-01. Review status: criteria provided, single submitter. Criteria: CeGaT Center For Human Genetics Tuebingen Variant Classification Criteria Version 2. Collection method: clinical testing. Allele origin: germline. Affected: yes. Observed: 1 variant allele.
Comment: MGAM2: BP4, BP7